The following is an entry in ClinVar:

ClinVar aggregate classification (germline): Likely pathogenic (1 of 4 stars; one submission).

Conditions:
Charcot-Marie-Tooth disease axonal type 2O. Also called: CHARCOT-MARIE-TOOTH NEUROPATHY, AXONAL, TYPE 2O; CHARCOT-MARIE-TOOTH DISEASE, AXONAL, AUTOSOMAL DOMINANT, TYPE 2O; Charcot-Marie-Tooth disease, axonal, type 20; Charcot-Marie-Tooth Neuropathy Type 2O. Identifiers: Orphanet 284232, MedGen C3280220, MONDO:0013644, OMIM 614228.

Submission:

Labcorp Genetics (formerly Invitae), Labcorp
Classification: Likely pathogenic for Charcot-Marie-Tooth disease axonal type 2O. Last evaluated: 2022-07-23. Review status: criteria provided, single submitter. Criteria: Invitae Variant Classification Sherloc (09022015). Collection method: clinical testing. Allele origin: germline.
Comment: This sequence change falls in intron 11 of the DYNC1H1 gene. It does not directly change the encoded amino acid sequence of the DYNC1H1 protein. Information on the frequency of this variant in the gnomAD database is not available, as this variant may be reported differently in the database. This variant has been observed in individual(s) with DYNC1H1-related conditions (Invitae). In at least one individual the variant was observed to be de novo. Experimental studies and prediction algorithms are not available or were not evaluated, and the effect of this variant on mRNA splicing is currently unknown. In summary, the currently available evidence indicates that the variant is pathogenic, but additional data are needed to prove that conclusively. Therefore, this variant has been classified as Likely Pathogenic.

NM_001376.5(DYNC1H1):c.3015+17_3015+18delinsCT

Gene: DYNC1H1 (dynein cytoplasmic 1 heavy chain 1; plus strand). Cytogenetic location: 14q32.31.
Variant type: Indel.
Coding change: c.3015+17_3015+18delinsCT on transcript NM_001376.5 (MANE Select); bases 17 to 18 of the intron after coding-DNA position 3015, TC replaced by CT.
Molecular consequence: intron variant.
Genome position (GRCh38, 1-based): chr14:101,991,690-101,991,691, TC replaced by CT. VCF-style: chr14-101991690-TC-CT. GRCh37 (hg19) VCF-style: chr14-102458027-TC-CT.
Identifiers: ClinVar variation 2129716 (VCV002129716.4), dbSNP rs2503708532, ClinGen allele CA2580088378.